The following is an entry in ClinVar:

NM_001077525.3(MTMR14):c.1164+6T>C

Gene: MTMR14 (myotubularin related protein 14; plus strand). Cytogenetic location: 3p25.3.
Variant type: single nucleotide variant.
Coding change: c.1164+6T>C on transcript NM_001077525.3 (MANE Select); 6 bases into the intron after coding-DNA position 1164, T replaced by C.
Molecular consequence: intron variant.
Genome position (GRCh38, 1-based): chr3:9,685,253, T>C. VCF-style: chr3-9685253-T-C. GRCh37 (hg19) VCF-style: chr3-9726937-T-C.
Other names: c.1164+6T>C (NM_001077526.3, NM_022485.5).
Identifiers: ClinVar variation 1495224 (VCV001495224.6), dbSNP rs747335100, ClinGen allele CA2240636.
Genomic context (GRCh38, chr3:9,685,253, plus strand): 5'-CTACCCTCCTTTTTTCAGGCACATGTTGGTAGATCGGCTCAGCAAAGGGGAGGAGGTGAG[T>C]ATACCACCTACGACTTGTGGGCACAGCTCAGCACTGAAAGAGGGGCAGTGGGTAGCCTGT-3'

ClinVar aggregate classification (germline): Uncertain significance (1 of 4 stars; one submission).

Allele frequency attached by ClinVar (database versions not stated): gnomAD 0.00002; TOPMed 0.00002; gnomAD exomes 0.00003 and 0.00005; ExAC 0.00009.
gnomAD v4.1: 27 of 1,613,616 alleles (0.0017%); highest among the groups gnomAD compares: Non-Finnish European, 0.0018%; no homozygotes.

Submission:

Labcorp Genetics (formerly Invitae), Labcorp
Classification: Uncertain significance. Last evaluated: 2021-04-26. Review status: criteria provided, single submitter. Criteria: Invitae Variant Classification Sherloc (09022015). Collection method: clinical testing. Allele origin: germline.
Comment: This sequence change falls in intron 13 of the MTMR14 gene. It does not directly change the encoded amino acid sequence of the MTMR14 protein. It affects a nucleotide within the consensus splice site of the intron. In summary, the available evidence is currently insufficient to determine the role of this variant in disease. Therefore, it has been classified as a Variant of Uncertain Significance. Nucleotide substitutions within the consensus splice site are a relatively common cause of aberrant splicing (PMID: 17576681, 9536098). Algorithms developed to predict the effect of sequence changes on RNA splicing suggest that this variant is not likely to affect RNA splicing, but this prediction has not been confirmed by published transcriptional studies. This variant has not been reported in the literature in individuals with MTMR14-related conditions. This variant is present in population databases (rs747335100, ExAC 0.02%).

Literature cited by the submitters: PubMed 17576681; PubMed 9536098.